The following is an entry in ClinVar:

ClinVar aggregate classification (germline): Uncertain significance (1 of 4 stars; one submission).

Conditions:
Dilated cardiomyopathy 1DD (CMD1DD). Identifiers: Orphanet 154, MedGen C2750995, MONDO:0013168, OMIM 613172.

Submission:

Labcorp Genetics (formerly Invitae), Labcorp
Classification: Uncertain significance for Dilated cardiomyopathy 1DD. Last evaluated: 2024-08-29. Review status: criteria provided, single submitter. Criteria: Invitae Variant Classification Sherloc (09022015). Collection method: clinical testing. Allele origin: germline.
Comment: This sequence change replaces serine, which is neutral and polar, with arginine, which is basic and polar, at codon 77 of the RBM20 protein (p.Ser77Arg). This variant is not present in population databases (gnomAD no frequency). This variant has not been reported in the literature in individuals affected with RBM20-related conditions. Invitae Evidence Modeling of protein sequence and biophysical properties (such as structural, functional, and spatial information, amino acid conservation, physicochemical variation, residue mobility, and thermodynamic stability) indicates that this missense variant is not expected to disrupt RBM20 protein function with a negative predictive value of 95%. In summary, the available evidence is currently insufficient to determine the role of this variant in disease. Therefore, it has been classified as a Variant of Uncertain Significance.

NM_001134363.3(RBM20):c.229A>C (p.Ser77Arg)

Gene: RBM20 (RNA binding motif protein 20; plus strand). Cytogenetic location: 10q25.2.
Variant type: single nucleotide variant.
Coding change: c.229A>C on transcript NM_001134363.3 (MANE Select); coding-DNA position 229, A replaced by C.
Protein change: p.Ser77Arg; replaces serine 77 with arginine.
Molecular consequence: missense variant.
Genome position (GRCh38, 1-based): chr10:110,780,838, A>C. VCF-style: chr10-110780838-A-C. GRCh37 (hg19) VCF-style: chr10-112540596-A-C.
Other names: short protein forms S77R.
Identifiers: ClinVar variation 3674686 (VCV003674686.2).
Genomic context (GRCh38, chr10:110,780,838, plus strand): 5'-TCTAGACCTCTGTCTTCCCACAGTGCCGCCAAGCTCCTGGACAAGAACCCATTCTCGGTC[A>C]GTAACCCGAACCCTCTGCTTCCTTCACCTGCCAGTCTCCAGCTGGCTCAACTGCAGGCCC-3'
Protein context (NP_001127835.2, residues 67-87): KLLDKNPFSV[Ser77Arg]NPNPLLPSPA